The following is an entry in ClinVar:

ClinVar aggregate classification (germline): Pathogenic. Review status: criteria provided, multiple submitters, no conflicts (2 of 4 stars). 3 submissions from 3 submitters: Pathogenic (2). 1 of the submissions does not count toward it. Last evaluated 2025-07-22.

Conditions:
Ritscher-Schinzel syndrome. Also called: CRANIOCEREBELLOCARDIAC DYSPLASIA. Identifiers: Orphanet 7, MedGen C0796137, MONDO:0019078.
Hereditary spastic paraplegia 8 (SPG8). Also called: SPASTIC PARAPLEGIA 8, AUTOSOMAL DOMINANT. Identifiers: Orphanet 100989, MedGen C1863704, MONDO:0011339, OMIM 603563.

Submissions (3):

Labcorp Genetics (formerly Invitae), Labcorp
Classification: Pathogenic for Ritscher-Schinzel syndrome; Hereditary spastic paraplegia 8. Last evaluated: 2025-07-22. Review status: criteria provided, single submitter. Criteria: Invitae Variant Classification Sherloc (09022015). Collection method: clinical testing. Allele origin: germline.
Comment: This sequence change replaces leucine, which is neutral and non-polar, with phenylalanine, which is neutral and non-polar, at codon 619 of the WASHC5 protein (p.Leu619Phe). This variant is not present in population databases (gnomAD no frequency). This missense change has been observed in individual(s) with hereditary spastic paraplegia (PMID: 10797436, 17160902). It has also been observed to segregate with disease in related individuals. ClinVar contains an entry for this variant (Variation ID: 1162). Invitae Evidence Modeling of protein sequence and biophysical properties (such as structural, functional, and spatial information, amino acid conservation, physicochemical variation, residue mobility, and thermodynamic stability) indicates that this missense variant is expected to disrupt WASHC5 protein function with a positive predictive value of 80%. Experimental studies have shown that this missense change affects WASHC5 function (PMID: 17160902). For these reasons, this variant has been classified as Pathogenic.

Center of Genomic medicine, Geneva, University Hospital of Geneva
Classification: Pathogenic for Hereditary spastic paraplegia 8. Last evaluated: 2014-12-15. Review status: criteria provided, single submitter. Criteria: MacArthur et al. (Nature 2014). Collection method: clinical testing. Allele origin: germline. Affected: yes.

OMIM
Classification: Pathogenic for SPASTIC PARAPLEGIA 8, AUTOSOMAL DOMINANT. Last evaluated: 2007-01-01. Review status: no assertion criteria provided. Collection method: literature only. Allele origin: germline. Not counted in ClinVar's aggregate classification.

Literature cited by the submitters: PubMed 10797436 (cited by Labcorp Genetics (formerly Invitae), Labcorp); PubMed 17160902 (cited by Labcorp Genetics (formerly Invitae), Labcorp and OMIM).

NM_014846.4(WASHC5):c.1857G>C (p.Leu619Phe)

Gene: WASHC5 (WASH complex subunit 5; minus strand). Cytogenetic location: 8q24.13.
Variant type: single nucleotide variant.
Coding change: c.1857G>C on transcript NM_014846.4 (MANE Select); coding-DNA position 1857, G replaced by C.
Protein change: p.Leu619Phe; replaces leucine 619 with phenylalanine.
Molecular consequence: missense variant.
Genome position (GRCh38, 1-based): chr8:125,057,574, C>G on the plus strand (G>C on the coding strand, the complement: WASHC5 is on the minus strand). VCF-style: chr8-125057574-C-G. GRCh37 (hg19) VCF-style: chr8-126069816-C-G.
Other names: c.1413G>C, p.Leu471Phe (NM_001330609.2); short protein forms L619F, L471F.
Identifiers: ClinVar variation 1162 (VCV000001162.10), dbSNP rs80338866, ClinGen allele CA251713.